The following is an entry in ClinVar:

NM_130466.4(UBE3B):c.1312G>T (p.Ala438Ser)

Gene: UBE3B (ubiquitin protein ligase E3B; plus strand). Cytogenetic location: 12q24.11.
Variant type: single nucleotide variant.
Coding change: c.1312G>T on transcript NM_130466.4 (MANE Select); coding-DNA position 1312, G replaced by T.
Protein change: p.Ala438Ser; replaces alanine 438 with serine.
Molecular consequence: missense variant.
Genome position (GRCh38, 1-based): chr12:109,503,052, G>T. VCF-style: chr12-109503052-G-T. GRCh37 (hg19) VCF-style: chr12-109940857-G-T.
Other names: c.1312G>T, p.Ala438Ser (NM_183415.3); short protein forms A438S.
Identifiers: ClinVar variation 1491379 (VCV001491379.6), dbSNP rs1438649548, ClinGen allele CA386635931.
Genomic context (GRCh38, chr12:109,503,052, plus strand): 5'-CTGCTCACATGTCTTCTTTTCTCCATGCCAGGTCTCCTAAAGCGTGCTTTTCAAAAGTCG[G>T]CATCAGTCCGGAATATTCTCAGGCCTGTCGGGGGTAAACGGGTCGACTCTGCAGAAGTCC-3'
Protein context (NP_569733.2, residues 428-448): SLLKRAFQKS[Ala438Ser]SVRNILRPVG

ClinVar aggregate classification (germline): Uncertain significance (1 of 4 stars; one submission).

Submission:

Labcorp Genetics (formerly Invitae), Labcorp
Classification: Uncertain significance. Last evaluated: 2021-11-27. Review status: criteria provided, single submitter. Criteria: Invitae Variant Classification Sherloc (09022015). Collection method: clinical testing. Allele origin: germline.
Comment: This variant has not been reported in the literature in individuals affected with UBE3B-related conditions. This variant is not present in population databases (gnomAD no frequency). This sequence change replaces alanine, which is neutral and non-polar, with serine, which is neutral and polar, at codon 438 of the UBE3B protein (p.Ala438Ser). Algorithms developed to predict the effect of missense changes on protein structure and function output the following: SIFT: "Tolerated"; PolyPhen-2: "Benign"; Align-GVGD: "Class C0". The serine amino acid residue is found in multiple mammalian species, which suggests that this missense change does not adversely affect protein function. In summary, the available evidence is currently insufficient to determine the role of this variant in disease. Therefore, it has been classified as a Variant of Uncertain Significance.